The following is an entry in ClinVar:

ClinVar aggregate classification (germline): Pathogenic. Review status: criteria provided, multiple submitters, no conflicts (2 of 4 stars). 5 submissions from 5 submitters: Pathogenic (5). Last evaluated 2025-02-04.

Conditions:
Inborn genetic diseases. Identifiers: MedGen C0950123, MeSH D030342.
Cohen syndrome (COH1). Also called: Cutis verticis gyrata, retinitis pigmentosa, and sensorineural deafness; PEPPER SYNDROME. Identifiers: Orphanet 193, MedGen C0265223, MONDO:0008999, OMIM 216550.

Allele frequency attached by ClinVar (database versions not stated): gnomAD exomes below 0.00001; TOPMed below 0.00001.
gnomAD v4.1: 1 of 1,613,624 alleles (0.000062%); highest among the groups gnomAD compares: Non-Finnish European, 0.000085%; no homozygotes.

Submissions (5):

Natera, Inc.
Classification: Pathogenic for Cohen syndrome. Last evaluated: 2025-02-04. Review status: criteria provided, single submitter. Criteria: Natera Variant Classification Schema (03/2026). Collection method: clinical testing. Allele origin: germline.
Comment: The c.2410C>T variant in VPS13B is a nonsense variant predicted to introduce a stop codon at amino acid 804. This variant is expected to result in nonsense mediated decay, truncation, or a dysfunctional protein product. This variant is rare in the general population with a frequency below the threshold expected for the associated phenotype(s). This variant has been observed in one or more individuals affected with the associated recessive disease, as either homozygous or compound heterozygous with a second variant (PMID: 25356970). Given the available evidence, this variant is classified as Pathogenic.

Fulgent Genetics
Classification: Pathogenic for Cohen syndrome. Last evaluated: 2024-03-27. Review status: criteria provided, single submitter. Criteria: ACMG Guidelines, 2015. Collection method: clinical testing. Allele origin: germline.

Labcorp Genetics (formerly Invitae), Labcorp
Classification: Pathogenic for Cohen syndrome. Last evaluated: 2024-02-23. Review status: criteria provided, single submitter. Criteria: Invitae Variant Classification Sherloc (09022015). Collection method: clinical testing. Allele origin: germline.
Comment: This sequence change creates a premature translational stop signal (p.Gln804*) in the VPS13B gene. It is expected to result in an absent or disrupted protein product. Loss-of-function variants in VPS13B are known to be pathogenic (PMID: 15141358, 16648375, 20461111). This variant is not present in population databases (gnomAD no frequency). This premature translational stop signal has been observed in individual(s) with Cohen syndrome (PMID: 25356970). ClinVar contains an entry for this variant (Variation ID: 225000). For these reasons, this variant has been classified as Pathogenic.

GeneDx
Classification: Pathogenic. Last evaluated: 2022-09-20. Review status: criteria provided, single submitter. Criteria: GeneDx Variant Classification Process June 2021. Collection method: clinical testing. Allele origin: germline. Affected: yes.
Comment: Identified with a second VPS13B variant in a patient in the published literature, but clinical information was not provided (Farwell et al., 2015); Nonsense variant predicted to result in protein truncation or nonsense mediated decay in a gene for which loss-of-function is a known mechanism of disease; Not observed at significant frequency in large population cohorts (gnomAD); This variant is associated with the following publications: (PMID: 25356970)

Ambry Genetics
Classification: Pathogenic for Inborn genetic diseases. Last evaluated: 2014-03-31. Review status: criteria provided, single submitter. Criteria: Ambry Autosomal Dominant and X-Linked criteria (10/2015). Collection method: clinical testing. Allele origin: germline. Observed: 1 variant allele.

Literature cited by the submitters: PubMed 25356970 (cited by Natera, Inc. and Labcorp Genetics (formerly Invitae), Labcorp); PubMed 15141358 (cited by Labcorp Genetics (formerly Invitae), Labcorp); PubMed 16648375 (cited by Labcorp Genetics (formerly Invitae), Labcorp); PubMed 20461111 (cited by Labcorp Genetics (formerly Invitae), Labcorp).

NM_152564.5(VPS13B):c.2410C>T (p.Gln804Ter)

Gene: VPS13B (vacuolar protein sorting 13 homolog B; plus strand). Cytogenetic location: 8q22.2.
Variant type: single nucleotide variant.
Coding change: c.2410C>T on transcript NM_152564.5 (MANE Select); coding-DNA position 2410, C replaced by T.
Protein change: p.Gln804Ter; replaces glutamine 804 with a stop codon.
Molecular consequence: nonsense.
Genome position (GRCh38, 1-based): chr8:99,192,952, C>T. VCF-style: chr8-99192952-C-T. GRCh37 (hg19) VCF-style: chr8-100205180-C-T.
Other names: c.2410C>T, p.Gln804Ter (NM_015243.3, NM_017890.5); c.2410C>T (NM_017890.4); short protein forms Q804*.
Identifiers: ClinVar variation 225000 (VCV000225000.16), dbSNP rs869312923, ClinGen allele CA358024.